The following is an entry in ClinVar:

ClinVar aggregate classification (germline): Uncertain significance (1 of 4 stars; one submission).

Conditions:
Werner syndrome (WRN). Identifiers: Orphanet 902, MedGen C0043119, MONDO:0010196, OMIM 277700.

Submission:

Labcorp Genetics (formerly Invitae), Labcorp
Classification: Uncertain significance for Werner syndrome. Last evaluated: 2024-11-23. Review status: criteria provided, single submitter. Criteria: Invitae Variant Classification Sherloc (09022015). Collection method: clinical testing. Allele origin: germline.
Comment: This sequence change replaces aspartic acid, which is acidic and polar, with glycine, which is neutral and non-polar, at codon 456 of the WRN protein (p.Asp456Gly). This variant is not present in population databases (gnomAD no frequency). This variant has not been reported in the literature in individuals affected with WRN-related conditions. An algorithm developed to predict the effect of missense changes on protein structure and function (PolyPhen-2) suggests that this variant is likely to be tolerated. In summary, the available evidence is currently insufficient to determine the role of this variant in disease. Therefore, it has been classified as a Variant of Uncertain Significance.

NM_000553.6(WRN):c.1367A>G (p.Asp456Gly)

Gene: WRN (WRN RecQ like helicase; plus strand). Cytogenetic location: 8p12.
Variant type: single nucleotide variant.
Coding change: c.1367A>G on transcript NM_000553.6 (MANE Select); coding-DNA position 1367, A replaced by G.
Protein change: p.Asp456Gly; replaces aspartic acid 456 with glycine.
Molecular consequence: missense variant.
Genome position (GRCh38, 1-based): chr8:31,085,182, A>G. VCF-style: chr8-31085182-A-G. GRCh37 (hg19) VCF-style: chr8-30942698-A-G.
Other names: short protein forms D456G.
Identifiers: ClinVar variation 3628086 (VCV003628086.2).
Genomic context (GRCh38, chr8:31,085,182, plus strand): 5'-AGTCAATTATATTGGAAATTAATGCTTAATACTTTTTTTTAAAGCATTTATCTCCCAATG[A>G]TAATGAAAACGATACGTCCTATGTAATTGAGAGTGATGAAGATTTAGAAATGGAGATGCT-3'
Protein context (NP_000544.2, residues 446-466): MEMLKHLSPN[Asp456Gly]NENDTSYVIE